The following is an entry in ClinVar:

NM_000059.4(BRCA2):c.6352_6353del (p.Val2118fs)

Gene: BRCA2 (BRCA2 DNA repair associated; plus strand). Cytogenetic location: 13q13.1.
Variant type: Microsatellite.
Coding change: c.6352_6353del on transcript NM_000059.4 (MANE Select); coding-DNA positions 6352 to 6353, 2 bases deleted (GT; older notation c.6352_6353delGT).
Protein change: p.Val2118fs; shifts the reading frame from valine 2118.
Molecular consequence: frameshift variant.
Genome position (GRCh38, 1-based): chr13:32,340,707-32,340,708, GT deleted; deleting any 2 consecutive bases within chr13:32,340,704-32,340,708 gives the same sequence; the c. name uses the placement nearest the transcript's 3' end. VCF-style (leftmost placement, unchanged base first): chr13-32340703-CTG-C. GRCh37 (hg19) VCF-style: chr13-32914840-CTG-C.
Other names: 6580delGT; c.6352_6353delGT (NM_000059.3); short protein forms V2118fs.
Identifiers: ClinVar variation 52071 (VCV000052071.31), dbSNP rs80359576, ClinGen allele CA023942.

ClinVar aggregate classification (germline): Pathogenic. Review status: reviewed by expert panel (3 of 4 stars). 12 submissions from 12 submitters: Pathogenic (1). 11 of the submissions do not count toward it. Last evaluated 2016-09-08.

Conditions:
BRCA2-related disorder. Also called: BRCA2-related condition; BRCA2-related disorders. Identifiers: MedGen CN239275.
Hereditary cancer-predisposing syndrome. Also called: Hereditary neoplastic syndrome; Hereditary Cancer Syndrome; Neoplastic Syndromes, Hereditary; Tumor predisposition. Identifiers: Orphanet 140162, MedGen C0027672, MeSH D009386, MONDO:0015356.
Hereditary breast ovarian cancer syndrome. Also called: Breast and ovarian cancer; Hereditary breast and ovarian cancer syndrome; BRCA1- and BRCA2-Associated Hereditary Breast and Ovarian Cancer; Hereditary breast and ovarian cancer syndrome (HBOC); Hereditary breast and/or ovarian cancer syndrome; Hereditary breast and ovarian cancer. Identifiers: Orphanet 145, MedGen C0677776, MeSH D061325, MONDO:0003582. Disease mechanism: loss of function.
Breast-ovarian cancer, familial, susceptibility to, 2 (BROVCA2). Also called: BRCA2 Hereditary Breast and Ovarian Cancer. Identifiers: Orphanet 145, MedGen C2675520, MONDO:0012933, OMIM 612555. Disease mechanism: loss of function.
Familial cancer of breast. Also called: hereditary breast carcinoma; Hereditary breast cancer; BREAST CANCER, FAMILIAL. Identifiers: Orphanet 227535, MedGen C0346153, MONDO:0016419, OMIM 114480. Disease mechanism: loss of function.

Submissions (12):

Evidence-based Network for the Interpretation of Germline Mutant Alleles (ENIGMA)
Classification: Pathogenic for Breast-ovarian cancer, familial, susceptibility to, 2. Last evaluated: 2016-09-08. Review status: reviewed by expert panel. Criteria: ENIGMA BRCA1/2 Classification Criteria (2015). Collection method: curation. Allele origin: germline.
Comment: Variant allele predicted to encode a truncated non-functional protein.

GeneDx
Classification: Pathogenic. Last evaluated: 2026-10-20. Review status: criteria provided, single submitter. Criteria: GeneDx Variant Classification Process June 2021. Collection method: clinical testing. Allele origin: germline. Not counted in ClinVar's aggregate classification.
Comment: Frameshift variant predicted to result in protein truncation or nonsense mediated decay in a gene for which loss of function is a known mechanism of disease; Not observed at significant frequency in large population cohorts (gnomAD); Truncating variants in this gene are considered pathogenic by a well-established clinical consortium and/or database; Also known as 6580_6581delGT; 6580_6581del; This variant is associated with the following publications: (PMID: 24156927, 30787465, 12228710, 14574155, 36853301, 38003901, 29446198, 16615107, 28888541, 41372292, 35734436)

Labcorp Genetics (formerly Invitae), Labcorp
Classification: Pathogenic for Hereditary breast ovarian cancer syndrome. Last evaluated: 2026-01-13. Review status: criteria provided, single submitter. Criteria: Invitae Variant Classification Sherloc (09022015). Collection method: clinical testing. Allele origin: germline. Not counted in ClinVar's aggregate classification.
Comment: This sequence change creates a premature translational stop signal (p.Val2118Lysfs*10) in the BRCA2 gene. It is expected to result in an absent or disrupted protein product. Loss-of-function variants in BRCA2 are known to be pathogenic (PMID: 20104584). This variant is not present in population databases (gnomAD no frequency). This premature translational stop signal has been observed in individual(s) with breast or ovarian cancer (PMID: 14574155, 24156927). This variant is also known as 6580delGT. ClinVar contains an entry for this variant (Variation ID: 52071). For these reasons, this variant has been classified as Pathogenic.

Ambry Genetics
Classification: Pathogenic for Hereditary cancer-predisposing syndrome. Last evaluated: 2025-09-02. Review status: criteria provided, single submitter. Criteria: Ambry Variant Classification Scheme 2023. Collection method: clinical testing. Allele origin: germline. Not counted in ClinVar's aggregate classification.
Comment: The c.6352_6353delGT pathogenic mutation, located in coding exon 10 of the BRCA2 gene, results from a deletion of two nucleotides at nucleotide positions 6352 and 6353, causing a translational frameshift with a predicted alternate stop codon (p.V2118Kfs*10). This alteration has been previously identified in several breast and/or ovarian cancer cohorts (Piek JM et al. Fam. Cancer. 2003;2:73-8; Tea MK et al. Maturitas. 2014 Jan;77:68-72; Rebbeck TR et al. Hum. Mutat. 2018 May;39(5):593-620). Of note, this alteration is also designated 6580delGT in the published literature. This variant is considered to be rare based on population cohorts in the Genome Aggregation Database (gnomAD). This alteration is expected to result in loss of function by premature protein truncation or nonsense-mediated mRNA decay. As such, this alteration is interpreted as a disease-causing mutation.

All of Us Research Program, National Institutes of Health
Classification: Pathogenic for Breast-ovarian cancer, familial, susceptibility to, 2. Last evaluated: 2024-01-22. Review status: criteria provided, single submitter. Criteria: ACMG Guidelines, 2015. Collection method: clinical testing. Allele origin: germline. Inheritance: Autosomal dominant inheritance. Observed: 2 variant alleles, 2 heterozygotes. Not counted in ClinVar's aggregate classification.
Comment: This variant deletes 2 nucleotides in exon 11 of the BRCA2 gene, creating a frameshift and premature translation stop signal. This variant is expected to result in an absent or non-functional protein product. This variant is also known as 6580delGT based on Breast Cancer Information Core (BIC) nomenclature. This variant has been reported in individuals affected with breast and/or ovarian cancer, and in high-risk hereditary breast and ovarian cancer families (PMID: 14574155, 16615107, 24156927). This variant has also been identified in two families among the CIMBA participants (PMID: 29446198). This variant has not been identified in the general population by the Genome Aggregation Database (gnomAD). Loss of BRCA2 function is a known mechanism of disease. Based on the available evidence, this variant is classified as Pathogenic.

This study involves interpretation of variants in research participants for the purpose of population health screening. Participant phenotype was not available at the time of variant classification. Additional details can be found in publication PMID: 35346344, PMCID: PMC8962531

Color Diagnostics, LLC DBA Color Health
Classification: Pathogenic for Hereditary cancer-predisposing syndrome. Last evaluated: 2023-11-15. Review status: criteria provided, single submitter. Criteria: ACMG Guidelines, 2015. Collection method: clinical testing. Allele origin: germline. Not counted in ClinVar's aggregate classification.
Comment: This variant deletes 2 nucleotides in exon 11 of the BRCA2 gene, creating a frameshift and premature translation stop signal. This variant is expected to result in an absent or non-functional protein product. This variant is also known as 6580delGT in the literature. This variant has been reported in individuals affected with breast and/or ovarian cancer, and in high-risk hereditary breast and ovarian cancer families (PMID: 14574155, 16615107, 24156927, 36853301). This variant has also been identified in two families among the CIMBA participants (PMID: 29446198). This variant has not been identified in the general population by the Genome Aggregation Database (gnomAD). Loss of BRCA2 function is a known mechanism of disease. Based on the available evidence, this variant is classified as Pathogenic.

Baylor Genetics
Classification: Pathogenic for Familial cancer of breast. Last evaluated: 2022-07-29. Review status: criteria provided, single submitter. Criteria: ACMG Guidelines, 2015. Collection method: clinical testing. Allele origin: unknown. Not counted in ClinVar's aggregate classification.

Women's Health and Genetics/Laboratory Corporation of America, LabCorp
Classification: Pathogenic for Hereditary breast ovarian cancer syndrome. Last evaluated: 2021-11-02. Review status: criteria provided, single submitter. Criteria: LabCorp Variant Classification Summary - May 2015. Collection method: clinical testing. Allele origin: germline. Not counted in ClinVar's aggregate classification.
Comment: Variant summary: BRCA2 c.6352_6353delGT (p.Val2118LysfsX10) results in a premature termination codon, predicted to cause a truncation of the encoded protein or absence of the protein due to nonsense mediated decay, which are commonly known mechanisms for disease. Truncations downstream of this position have been classified as pathogenic by our laboratory. The variant was absent in 245524 control chromosomes and c.6352_6353delGT has been reported in the literature in individuals affected with Hereditary Breast And Ovarian Cancer Syndrome (Piek_2003, Hermsen_2006, Tea_2014). These data indicate that the variant may be associated with disease. To our knowledge, no experimental evidence demonstrating an impact on protein function has been reported. Five clinical diagnostic laboratories, one expert panel, and one consortium have submitted clinical-significance assessments for this variant to ClinVar after 2014 without evidence for independent evaluation. All submitters have classified the variant as pathogenic. Based on the evidence outlined above, the variant was classified as pathogenic.

Quest Diagnostics Nichols Institute San Juan Capistrano
Classification: Pathogenic. Last evaluated: 2017-03-09. Review status: criteria provided, single submitter. Criteria: Quest Diagnostics criteria. Collection method: clinical testing. Allele origin: germline. Not counted in ClinVar's aggregate classification.

Consortium of Investigators of Modifiers of BRCA1/2 (CIMBA), c/o University of Cambridge
Classification: Pathogenic for Breast-ovarian cancer, familial, susceptibility to, 2. Last evaluated: 2015-10-02. Review status: criteria provided, single submitter. Criteria: CIMBA Mutation Classification guidelines May 2016. Collection method: clinical testing. Allele origin: germline. Not counted in ClinVar's aggregate classification.

PreventionGenetics, part of Exact Sciences
Classification: Pathogenic for BRCA2-related condition. Last evaluated: 2024-05-03. Review status: no assertion criteria provided. Collection method: clinical testing. Allele origin: germline. Not counted in ClinVar's aggregate classification.
Comment: The BRCA2 c.6352_6353delGT variant is predicted to result in a frameshift and premature protein termination (p.Val2118Lysfs*10). This variant was reported in individuals with breast cancer or ovarian cancer (Tea MK et al 2013. PubMed ID: 24156927; Lilyquist J et al 2017. PubMed ID: 28888541; Ravichandran V et al 2019. PubMed ID: 30787465; Rebbeck TR et al 2018. PubMed ID: 29446198). This variant has not been reported in a large population database, indicating this variant is rare. This variant is interpreted as pathogenic in ClinVar. Frameshift variants in BRCA2 are expected to be pathogenic. This variant is interpreted as pathogenic.

Breast Cancer Information Core (BIC) (BRCA2)
Classification: Pathogenic for Breast-ovarian cancer, familial 2. Last evaluated: 2004-02-20. Review status: no assertion criteria provided. Collection method: clinical testing. Allele origin: germline. Affected: yes. Observed: 2 variant alleles. Not counted in ClinVar's aggregate classification.

Literature cited by the submitters: PubMed 20104584 (cited by Labcorp Genetics (formerly Invitae), Labcorp); PubMed 14574155 (cited by 6 submitters); PubMed 24156927 (cited by 6 submitters); PubMed 16615107 (cited by 3 submitters); PubMed 29446198 (cited by 3 submitters); PubMed 36853301 (cited by Color Diagnostics, LLC DBA Color Health); PubMed 33471991 (cited by Women's Health and Genetics/Laboratory Corporation of America, LabCorp).